The following is an entry in ClinVar:

ClinVar aggregate classification (germline): Uncertain significance (1 of 4 stars; one submission).

Conditions:
Gastrointestinal stromal tumor. Also called: Gastrointestinal stroma tumor; Gastrointestinal stromal tumor, somatic. Identifiers: Orphanet 44890, MedGen C0238198, MeSH D046152, MONDO:0011719, OMIM 606764, HP:0100723.

Allele frequency attached by ClinVar (database versions not stated): TOPMed below 0.00001; ExAC 0.00001; gnomAD 0.00001.
gnomAD v4.1: 2 of 1,613,864 alleles (0.00012%); highest among the groups gnomAD compares: Non-Finnish European, 0.00017%; no homozygotes.

Submission:

Labcorp Genetics (formerly Invitae), Labcorp
Classification: Uncertain significance for Gastrointestinal stromal tumor. Last evaluated: 2025-06-19. Review status: criteria provided, single submitter. Criteria: Invitae Variant Classification Sherloc (09022015). Collection method: clinical testing. Allele origin: germline.
Comment: This sequence change creates a premature translational stop signal (p.Arg479*) in the PDGFRA gene. It is expected to result in an absent or disrupted protein product. However, the current clinical and genetic evidence is not sufficient to establish whether loss-of-function variants in PDGFRA cause disease. This variant is present in population databases (rs771567933, gnomAD 0.0009%). This variant has not been reported in the literature in individuals affected with PDGFRA-related conditions. ClinVar contains an entry for this variant (Variation ID: 1467955). In summary, the available evidence is currently insufficient to determine the role of this variant in disease. Therefore, it has been classified as a Variant of Uncertain Significance.

NM_006206.6(PDGFRA):c.1435C>T (p.Arg479Ter)

Gene: PDGFRA (platelet derived growth factor receptor alpha; plus strand). Cytogenetic location: 4q12.
Variant type: single nucleotide variant.
Coding change: c.1435C>T on transcript NM_006206.6 (MANE Select); coding-DNA position 1435, C replaced by T.
Protein change: p.Arg479Ter; replaces arginine 479 with a stop codon.
Molecular consequence: nonsense.
Genome position (GRCh38, 1-based): chr4:54,273,607, C>T. VCF-style: chr4-54273607-C-T. GRCh37 (hg19) VCF-style: chr4-55139774-C-T.
Other names: c.1435C>T, p.Arg479Ter (NM_001347827.2, NM_001347829.2); c.1510C>T, p.Arg504Ter (NM_001347828.2); c.1474C>T, p.Arg492Ter (NM_001347830.2); short protein forms R492*, R504*, R479*.
Identifiers: ClinVar variation 1467955 (VCV001467955.6), dbSNP rs771567933, ClinGen allele CA2922566.